The following is an entry in ClinVar:

ClinVar aggregate classification (germline): Benign (0 of 4 stars; one submission).

Conditions:
ITPR3-related disorder. Also called: ITPR3-related condition.

Allele frequency attached by ClinVar (database versions not stated): TOPMed 0.47673; ESP Exome Variant Server 0.47939; gnomAD 0.48370; 1000 Genomes Project 30x 0.48626; 1000 Genomes Project 0.49081; ExAC 0.51728.
gnomAD v4.1: 857,917 of 1,613,712 alleles (53%); highest among the groups gnomAD compares: South Asian, 60%; 230,257 homozygotes.

Submission:

PreventionGenetics, part of Exact Sciences
Classification: Benign for ITPR3-related condition. Last evaluated: 2019-10-17. Review status: no assertion criteria provided. Collection method: clinical testing. Allele origin: germline.
Comment: This variant is classified as benign based on ACMG/AMP sequence variant interpretation guidelines (Richards et al. 2015 PMID: 25741868, with internal and published modifications).

NM_002224.4(ITPR3):c.2163C>T (p.His721=)

Gene: ITPR3 (inositol 1,4,5-trisphosphate receptor type 3; plus strand). Cytogenetic location: 6p21.31.
Variant type: single nucleotide variant.
Coding change: c.2163C>T on transcript NM_002224.4 (MANE Select); coding-DNA position 2163, C replaced by T.
Protein change: p.His721=; no amino-acid change (histidine 721 retained).
Molecular consequence: synonymous variant.
Genome position (GRCh38, 1-based): chr6:33,669,130, C>T. VCF-style: chr6-33669130-C-T. GRCh37 (hg19) VCF-style: chr6-33636907-C-T.
Identifiers: ClinVar variation 3060407 (VCV003060407.2), dbSNP rs2077163, ClinGen allele CA3760492.